The following is an entry in ClinVar:

NM_016816.4(OAS1):c.812A>T (p.Tyr271Phe)

Gene: OAS1 (2'-5'-oligoadenylate synthetase 1; plus strand). Cytogenetic location: 12q24.13.
Variant type: single nucleotide variant.
Coding change: c.812A>T on transcript NM_016816.4 (MANE Select); coding-DNA position 812, A replaced by T.
Protein change: p.Tyr271Phe; replaces tyrosine 271 with phenylalanine.
Molecular consequence: missense variant.
Genome position (GRCh38, 1-based): chr12:112,916,666, A>T. VCF-style: chr12-112916666-A-T. GRCh37 (hg19) VCF-style: chr12-113354471-A-T.
Other names: c.812A>T, p.Tyr271Phe (NM_001032409.3, NM_001320151.2, NM_002534.4); short protein forms Y271F.
Identifiers: ClinVar variation 1004835 (VCV001004835.8), dbSNP rs765350920, ClinGen allele CA6799894.

ClinVar aggregate classification (germline): Uncertain significance (1 of 4 stars; one submission).

Allele frequency attached by ClinVar (database versions not stated): ExAC 0.00002; gnomAD 0.00002 and 0.00003; gnomAD exomes 0.00002 and 0.00004; TOPMed 0.00002.
gnomAD v4.1: 61 of 1,614,018 alleles (0.0038%); highest among the groups gnomAD compares: Non-Finnish European, 0.0049%; no homozygotes.

Submission:

Labcorp Genetics (formerly Invitae), Labcorp
Classification: Uncertain significance. Last evaluated: 2025-04-03. Review status: criteria provided, single submitter. Criteria: Invitae Variant Classification Sherloc (09022015). Collection method: clinical testing. Allele origin: germline.
Comment: This sequence change replaces tyrosine, which is neutral and polar, with phenylalanine, which is neutral and non-polar, at codon 271 of the OAS1 protein (p.Tyr271Phe). This variant is present in population databases (rs765350920, gnomAD 0.004%). This variant has not been reported in the literature in individuals affected with OAS1-related conditions. ClinVar contains an entry for this variant (Variation ID: 1004835). An algorithm developed to predict the effect of missense changes on protein structure and function outputs the following: PolyPhen-2: "Possibly Damaging". The phenylalanine amino acid residue is found in multiple mammalian species, which suggests that this missense change does not adversely affect protein function. In summary, the available evidence is currently insufficient to determine the role of this variant in disease. Therefore, it has been classified as a Variant of Uncertain Significance.